The following is an entry in ClinVar:

NM_003742.4(ABCB11):c.1757C>T (p.Thr586Ile)

Gene: ABCB11 (ATP binding cassette subfamily B member 11; minus strand). Cytogenetic location: 2q31.1.
Variant type: single nucleotide variant.
Coding change: c.1757C>T on transcript NM_003742.4 (MANE Select); coding-DNA position 1757, C replaced by T.
Protein change: p.Thr586Ile; replaces threonine 586 with isoleucine.
Molecular consequence: missense variant.
Genome position (GRCh38, 1-based): chr2:168,970,097, G>A on the plus strand (C>T on the coding strand, the complement: ABCB11 is on the minus strand). VCF-style: chr2-168970097-G-A. GRCh37 (hg19) VCF-style: chr2-169826607-G-A.
Other names: NM_003742.4:c.1757C>T; short protein forms T586I.
Identifiers: ClinVar variation 3776860 (VCV003776860.3).
Genomic context (GRCh38, chr2:168,970,097, plus strand): 5'-CCACAAACCTTACTCAGCACTTCTTGCACCATGGCTTCACTCTCATTGTCCAGAGCTGAG[G>A]TGGCCATGTCCAAAAGCAGAATCTTGGGATTTCGGATGAGGGCTCTGGCGATAGCTACCC-3'
Protein context (NP_003733.2, residues 576-596): NPKILLLDMA[Thr586Ile]SALDNESEAM

ClinVar aggregate classification (germline): Uncertain significance. Review status: criteria provided, multiple submitters, no conflicts (2 of 4 stars). 3 submissions from 3 submitters: Uncertain significance (3). Last evaluated 2026-04-14.

Conditions:
Familial intrahepatic cholestasis. Identifiers: Orphanet 284385, MedGen CN296401, MONDO:0017290.
Progressive familial intrahepatic cholestasis type 2. Identifiers: Orphanet 79304, MedGen C3489789, MONDO:0011156, OMIM 601847.

gnomAD v4.1: 4 of 1,612,838 alleles (0.00025%); highest among the groups gnomAD compares: East Asian, 0.0022%; no homozygotes.

Submissions (3):

Genomenon, Inc
Classification: Uncertain significance for Familial intrahepatic cholestasis. Last evaluated: 2026-04-14. Review status: criteria provided, single submitter. Criteria: Genomenon Sequence Variant Interpretation Standards - Updated. Collection method: curation. Allele origin: germline. Affected: yes.
Comment: ABCB11 p.Thr586Ile (c.1757C>T) is a missense variant that changes the amino acid at residue 586 from Threonine to Isoleucine. This variant has been observed in at least one proband with an ABCB11-related disorder (PMID:37471416). It has been observed in trans with a pathogenic or likely pathogenic variant (PMID:37471416). Functional studies have been reported (PMID:19101985). It is absent or not present at a significant frequency in gnomAD. In silico models predict that this variant is possibly or probably damaging. In conclusion, we classify ABCB11 p.Thr586Ile (c.1757C>T) as a variant of uncertain significance.

Women's Health and Genetics/Laboratory Corporation of America, LabCorp
Classification: Uncertain significance. Last evaluated: 2025-12-30. Review status: criteria provided, single submitter. Criteria: LabCorp Variant Classification Summary - May 2015. Collection method: clinical testing. Allele origin: germline.
Comment: Variant summary: ABCB11 c.1757C>T (p.Thr586Ile) results in a non-conservative amino acid change in the encoded protein sequence. Algorithms developed to predict the effect of missense changes on protein structure and function all suggest that this variant is likely to be disruptive. The variant was absent in 248606 control chromosomes. The available data on variant occurrences in the general population are insufficient to allow any conclusion about variant significance. c.1757C>T has been observed as a biallelic compound heterozygous genotype in trans with another pathogenic variant in one individual affected with Progressive familial intrahepatic cholestasis type 1 and with a different putative pathogenic variant without phase confirmation in another individual affected with benign recurrent intrahepatic cholestasis (Neroldova_2023). It has also been observed as a heterozygous genotype in another individual affected with benign recurrent intrahepatic cholestasis (Byrne_2009). These data do not allow any conclusion about variant significance. To our knowledge, no experimental evidence demonstrating an impact on protein function has been reported. The following publications have been ascertained in the context of this evaluation (PMID: 19101985, 37471416). ClinVar contains an entry for this variant (Variation ID: 3776860). Based on the evidence outlined above, the variant was classified as uncertain significance.

Broad Center for Mendelian Genomics, Broad Institute of MIT and Harvard
Classification: Uncertain significance for Progressive familial intrahepatic cholestasis type 2. Last evaluated: 2025-01-27. Review status: criteria provided, single submitter. Criteria: ACMG Guidelines, 2015. Collection method: curation. Allele origin: germline. Inheritance: Autosomal recessive inheritance.
Comment: The p.Thr586Ile variant in ABCB11 has been reported in 3 individuals with BSEP deficiency (doi:10.14735_amgh20155471, PMID:19101985, CebecauerovaÃÅ et al. 2010), and has been identified in 0.002% (1/44812) of East Asian chromosomes by the Genome Aggregation Database (gnomAD; dbSNP rs1321213158). Although this variant has been seen in the general population in a heterozygous state, its frequency is low enough to be consistent with a recessive carrier frequency. Of the three affected individuals, one was a compound heterozygote that carried a reported pathogenic variant in trans, which increases the likelihood that the p.Thr586Ile variant is pathogenic (Variation ID: 288555; doi:10.14735_amgh2015547). Computational prediction tools and conservation analyses suggest that this variant may impact the protein, though this information is not predictive enough to determine pathogenicity. In summary, while there is some suspicion for a pathogenic role, the clinical significance of this variant is uncertain. ACMG/AMP Criteria applied: PP3_moderate, PM3, PM2_supporting (Richards 2015).

Literature cited by the submitters: PubMed 37471416 (cited by Genomenon, Inc and Women's Health and Genetics/Laboratory Corporation of America, LabCorp); PubMed 19101985 (cited by Genomenon, Inc and Women's Health and Genetics/Laboratory Corporation of America, LabCorp).